The following is an entry in ClinVar:

NM_001354604.2(MITF):c.1208G>A (p.Gly403Glu)

Gene: MITF (melanocyte inducing transcription factor; plus strand). Cytogenetic location: 3p13.
Variant type: single nucleotide variant.
Coding change: c.1208G>A on transcript NM_001354604.2 (MANE Select); coding-DNA position 1208, G replaced by A.
Protein change: p.Gly403Glu; replaces glycine 403 with glutamic acid.
Molecular consequence: missense variant.
Genome position (GRCh38, 1-based): chr3:69,964,875, G>A. VCF-style: chr3-69964875-G-A. GRCh37 (hg19) VCF-style: chr3-70014026-G-A.
Other names: c.887G>A, p.Gly296Glu (NM_000248.4); c.1034G>A, p.Gly345Glu (NM_001184967.2, NM_001354608.2); c.1205G>A, p.Gly402Glu (NM_001354605.2); c.1187G>A, p.Gly396Glu (NM_001354606.2, NM_006722.3); c.1139G>A, p.Gly380Glu (NM_001354607.2); c.869G>A, p.Gly290Glu (NM_198158.3); c.1190G>A, p.Gly397Glu (NM_198159.3); c.1142G>A, p.Gly381Glu (NM_198177.3); and 1 more; short protein forms G234E, G290E, G296E, G345E, G380E, G381E, G396E, G397E.
Identifiers: ClinVar variation 3751818 (VCV003751818.3).

ClinVar aggregate classification (germline): Uncertain significance. Review status: criteria provided, multiple submitters, no conflicts (2 of 4 stars). 2 submissions from 2 submitters: Uncertain significance (2). Last evaluated 2025-01-22.

Conditions:
Hereditary cancer-predisposing syndrome. Also called: Hereditary neoplastic syndrome; Tumor predisposition; Hereditary Cancer Syndrome; Neoplastic Syndromes, Hereditary. Identifiers: Orphanet 140162, MedGen C0027672, MeSH D009386, MONDO:0015356.
Tietz syndrome (TADS). Also called: HYPOPIGMENTATION/DEAFNESS OF TIETZ; TIETZ ALBINISM-DEAFNESS SYNDROME; ALBINISM-DEAFNESS OF TIETZ. Identifiers: Orphanet 42665, MedGen C0391816, MONDO:0007077, OMIM 103500.
Waardenburg syndrome type 2A (WS2A). Also called: WAARDENBURG SYNDROME WITHOUT DYSTOPIA CANTHORUM. Identifiers: Orphanet 3440, MedGen C1860339, MONDO:0008671, OMIM 193510.
Melanoma, cutaneous malignant, susceptibility to, 8. Also called: MELANOMA AND RENAL CELL CARCINOMA, SUSCEPTIBILITY TO; Cutaneous malignant melanoma 8. Identifiers: Orphanet 293822, MedGen C3152204, MONDO:0013759, OMIM 614456.

gnomAD v4.1: 2 of 1,614,054 alleles (0.00012%); highest among the groups gnomAD compares: Non-Finnish European, 0.00017%; no homozygotes.

Submissions (2):

Labcorp Genetics (formerly Invitae), Labcorp
Classification: Uncertain significance for Melanoma, cutaneous malignant, susceptibility to, 8; Waardenburg syndrome type 2A; Tietz syndrome. Last evaluated: 2025-01-22. Review status: criteria provided, single submitter. Criteria: Invitae Variant Classification Sherloc (09022015). Collection method: clinical testing. Allele origin: germline.
Comment: This sequence change replaces glycine, which is neutral and non-polar, with glutamic acid, which is acidic and polar, at codon 296 of the MITF protein (p.Gly296Glu). This variant is not present in population databases (gnomAD no frequency). This variant has not been reported in the literature in individuals affected with MITF-related conditions. Invitae Evidence Modeling of protein sequence and biophysical properties (such as structural, functional, and spatial information, amino acid conservation, physicochemical variation, residue mobility, and thermodynamic stability) indicates that this missense variant is expected to disrupt MITF protein function with a positive predictive value of 80%. In summary, the available evidence is currently insufficient to determine the role of this variant in disease. Therefore, it has been classified as a Variant of Uncertain Significance.

Ambry Genetics
Classification: Uncertain significance for Hereditary cancer-predisposing syndrome. Last evaluated: 2025-01-10. Review status: criteria provided, single submitter. Criteria: Ambry Variant Classification Scheme 2023. Collection method: clinical testing. Allele origin: germline.
Comment: The p.G296E variant (also known as c.887G>A), located in coding exon 9 of the MITF gene, results from a G to A substitution at nucleotide position 887. The glycine at codon 296 is replaced by glutamic acid, an amino acid with similar properties. This amino acid position is conserved. In addition, this alteration is predicted to be deleterious by in silico analysis. Based on the available evidence, the clinical significance of this variant remains unclear.